The following is an entry in ClinVar:

NM_003661.4(APOL1):c.1002G>A (p.Lys334=)

Gene: APOL1 (apolipoprotein L1; plus strand). Cytogenetic location: 22q12.3.
Variant type: single nucleotide variant.
Coding change: c.1002G>A on transcript NM_003661.4 (MANE Select); coding-DNA position 1002, G replaced by A.
Protein change: p.Lys334=; no amino-acid change (lysine 334 retained).
Molecular consequence: synonymous variant.
Genome position (GRCh38, 1-based): chr22:36,265,838, G>A. VCF-style: chr22-36265838-G-A. GRCh37 (hg19) VCF-style: chr22-36661884-G-A.
Other names: c.1002G>A, p.Lys334= (NM_001136540.2); c.948G>A, p.Lys316= (NM_001136541.2, NM_001362927.2); c.1050G>A, p.Lys350= (NM_145343.3).
Identifiers: ClinVar variation 3034588 (VCV003034588.2), dbSNP rs760331517, ClinGen allele CA10208802.
Genomic context (GRCh38, chr22:36,265,838, plus strand): 5'-CGGTGAACAGGTGGAGAGGGTTAATGAACCCAGCATCCTGGAAATGAGCAGAGGAGTCAA[G>A]CTCACGGATGTGGCCCCTGTAAGCTTCTTTCTTGTGCTGGATGTAGTCTACCTCGTGTAC-3'
Protein context (NP_003652.2, residues 324-344): PSILEMSRGV[Lys334=]LTDVAPVSFF

ClinVar aggregate classification (germline): Likely benign (0 of 4 stars; one submission).

Conditions:
APOL1-related disorder. Also called: APOL1-related condition.

Allele frequency attached by ClinVar (database versions not stated): gnomAD exomes 0.00001; TOPMed 0.00001; ExAC 0.00004.

Submission:

PreventionGenetics, part of Exact Sciences
Classification: Likely benign for APOL1-related condition. Last evaluated: 2019-08-01. Review status: no assertion criteria provided. Collection method: clinical testing. Allele origin: germline.
Comment: This variant is classified as likely benign based on ACMG/AMP sequence variant interpretation guidelines (Richards et al. 2015 PMID: 25741868, with internal and published modifications).